The following is an entry in ClinVar:

ClinVar aggregate classification (germline): Uncertain significance (1 of 4 stars; one submission).

Conditions:
Bardet-Biedl syndrome (BBS). Identifiers: Orphanet 110, MedGen C0752166, MONDO:0015229.

Allele frequency attached by ClinVar (database versions not stated): TOPMed below 0.00001; gnomAD 0.00001.

Submission:

Labcorp Genetics (formerly Invitae), Labcorp
Classification: Uncertain significance for Bardet-Biedl syndrome. Last evaluated: 2022-06-16. Review status: criteria provided, single submitter. Criteria: Invitae Variant Classification Sherloc (09022015). Collection method: clinical testing. Allele origin: germline.
Comment: This sequence change replaces histidine, which is basic and polar, with arginine, which is basic and polar, at codon 174 of the BBS12 protein (p.His174Arg). This variant is not present in population databases (gnomAD no frequency). This variant has not been reported in the literature in individuals affected with BBS12-related conditions. Algorithms developed to predict the effect of missense changes on protein structure and function output the following: SIFT: "Tolerated"; PolyPhen-2: "Benign"; Align-GVGD: "Class C0". The arginine amino acid residue is found in multiple mammalian species, which suggests that this missense change does not adversely affect protein function. In summary, the available evidence is currently insufficient to determine the role of this variant in disease. Therefore, it has been classified as a Variant of Uncertain Significance.

NM_152618.3(BBS12):c.521A>G (p.His174Arg)

Gene: BBS12 (Bardet-Biedl syndrome 12; plus strand). Cytogenetic location: 4q27.
Variant type: single nucleotide variant.
Coding change: c.521A>G on transcript NM_152618.3 (MANE Select); coding-DNA position 521, A replaced by G.
Protein change: p.His174Arg; replaces histidine 174 with arginine.
Molecular consequence: missense variant.
Genome position (GRCh38, 1-based): chr4:122,742,413, A>G. VCF-style: chr4-122742413-A-G. GRCh37 (hg19) VCF-style: chr4-123663568-A-G.
Other names: c.521A>G, p.His174Arg (NM_001178007.2); short protein forms H174R.
Identifiers: ClinVar variation 1962279 (VCV001962279.2), dbSNP rs1234628251, ClinGen allele CA358223120.
Genomic context (GRCh38, chr4:122,742,413, plus strand): 5'-GTGTAAGTTTGTGTCCTTTTCTACAGGTCCCTTCAGATACTGATTTGATAGAGGAATTGC[A>G]TGGTCTCAAAGATGTTGCCTCTCAAACACTGACCATTTCCAACCTTTCTGGGAGACCTCT-3'
Protein context (NP_689831.2, residues 164-184): PSDTDLIEEL[His174Arg]GLKDVASQTL